The following is an entry in ClinVar:

NM_003060.4(SLC22A5):c.4C>G (p.Arg2Gly)

Gene: SLC22A5 (solute carrier family 22 member 5; plus strand). Cytogenetic location: 5q31.1.
Variant type: single nucleotide variant.
Coding change: c.4C>G on transcript NM_003060.4 (MANE Select); coding-DNA position 4, C replaced by G.
Protein change: p.Arg2Gly; replaces arginine 2 with glycine.
Molecular consequence: missense variant.
Genome position (GRCh38, 1-based): chr5:132,369,976, C>G. VCF-style: chr5-132369976-C-G. GRCh37 (hg19) VCF-style: chr5-131705668-C-G.
Other names: p.Arg2Gly; c.4C>G (NM_003060.3); c.4C>G, p.Arg2Gly (NM_001308122.2); short protein forms R2G.
Identifiers: ClinVar variation 990991 (VCV000990991.10), dbSNP rs762330138, ClinGen allele CA3403765.
Genomic context (GRCh38, chr5:132,369,976, plus strand): 5'-CAAAGCCCGCCGCGTTCCCCGACCCCAGGCCGCGCTCTGTGGGCCTCTGAGGGCGGCATG[C>G]GGGACTACGACGAGGTGACCGCCTTCCTGGGCGAGTGGGGGCCCTTCCAGCGCCTCATCT-3'
Protein context (NP_003051.1, residues 1-12): M[Arg2Gly]DYDEVTAFLG

ClinVar aggregate classification (germline): Uncertain significance. Review status: criteria provided, multiple submitters, no conflicts (2 of 4 stars). 4 submissions from 4 submitters: Uncertain significance (3). 1 of the submissions does not count toward it. Last evaluated 2025-04-30.

Conditions:
Inborn genetic diseases. Identifiers: MedGen C0950123, MeSH D030342.
Renal carnitine transport defect (CDSP). Also called: Carnitine transporter deficiency; Carnitine Deficiency, Systemic; CARNITINE DEFICIENCY, SYSTEMIC, DUE TO DEFECT IN RENAL REABSORPTION OF CARNITINE; CARNITINE TRANSPORTER, PLASMA-MEMBRANE, DEFICIENCY OF; CARNITINE UPTAKE DEFECT; Primary carnitine deficiency. Identifiers: Orphanet 158, MedGen C0342788, MONDO:0008919, OMIM 212140.

Allele frequency attached by ClinVar (database versions not stated): gnomAD exomes 0.00001; TOPMed 0.00001.
gnomAD v4.1: 5 of 1,612,820 alleles (0.00031%); highest among the groups gnomAD compares: East Asian, 0.011%; no homozygotes.

Submissions (4):

Ambry Genetics
Classification: Uncertain significance for Inborn genetic diseases. Last evaluated: 2025-04-30. Review status: criteria provided, single submitter. Criteria: Ambry Variant Classification Scheme 2023. Collection method: clinical testing. Allele origin: germline.

Giacomini Lab, University of California, San Francisco
Classification: Uncertain significance for Renal carnitine transport defect. Last evaluated: 2022-10-03. Review status: criteria provided, single submitter. Criteria: ACMG Guidelines, 2015. Collection method: research, in vitro. Allele origin: germline, not applicable.

Labcorp Genetics (formerly Invitae), Labcorp
Classification: Uncertain significance for Renal carnitine transport defect. Last evaluated: 2021-09-09. Review status: criteria provided, single submitter. Criteria: Invitae Variant Classification Sherloc (09022015). Collection method: clinical testing. Allele origin: germline.
Comment: This sequence change replaces arginine with glycine at codon 2 of the SLC22A5 protein (p.Arg2Gly). The arginine residue is weakly conserved and there is a moderate physicochemical difference between arginine and glycine. This variant is present in population databases (rs762330138, ExAC 0.02%). This variant has not been reported in the literature in individuals affected with SLC22A5-related conditions. Algorithms developed to predict the effect of missense changes on protein structure and function (SIFT, PolyPhen-2, Align-GVGD) all suggest that this variant is likely to be tolerated. In summary, the available evidence is currently insufficient to determine the role of this variant in disease. Therefore, it has been classified as a Variant of Uncertain Significance.

Natera, Inc.
Classification: Uncertain significance for Primary systemic carnitine deficiency. Last evaluated: 2020-10-14. Review status: no assertion criteria provided. Collection method: clinical testing. Allele origin: germline. Not counted in ClinVar's aggregate classification.